The following is an entry in ClinVar:

NM_001370466.1(NOD2):c.1067A>G (p.Glu356Gly)

Gene: NOD2 (nucleotide binding oligomerization domain containing 2; plus strand). Cytogenetic location: 16q12.1.
Variant type: single nucleotide variant.
Coding change: c.1067A>G on transcript NM_001370466.1 (MANE Select); coding-DNA position 1067, A replaced by G.
Protein change: p.Glu356Gly; replaces glutamic acid 356 with glycine.
Molecular consequence: missense variant. On other transcripts: non-coding transcript variant (1).
Genome position (GRCh38, 1-based): chr16:50,711,059, A>G. VCF-style: chr16-50711059-A-G. GRCh37 (hg19) VCF-style: chr16-50744970-A-G.
Other names: c.1148A>G (LRG_177t1); c.1067A>G, p.Glu356Gly (NM_001293557.2); c.1148A>G, p.Glu383Gly (NM_022162.3); short protein forms E383G, E356G.
Identifiers: ClinVar variation 97822 (VCV000097822.1), dbSNP rs104895493, ClinGen allele CA150178.

ClinVar aggregate classification (germline): not provided (0 of 4 stars; one submission).

Conditions:
Blau syndrome (BLAUS). Also called: ARTHROCUTANEOUVEAL GRANULOMATOSIS; GRANULOMATOSIS, FAMILIAL JUVENILE SYSTEMIC; GRANULOMATOSIS, FAMILIAL, BLAU TYPE; GRANULOMATOUS INFLAMMATORY ARTHRITIS, DERMATITIS, AND UVEITIS, FAMILIAL; JABS SYNDROME. Identifiers: Orphanet 90340, MedGen C5201146, MONDO:0008523, OMIM 186580.

Submission:

Unité médicale des maladies autoinflammatoires, CHRU Montpellier
No classification provided. Condition: Sarcoidosis, early-onset. Review status: no classification provided. Collection method: not provided. Allele origin: unknown.
Comment: also involved in OMIM 186580 and 266600